The following is an entry in ClinVar:

ClinVar aggregate classification (germline): Uncertain significance (1 of 4 stars; one submission).

Allele frequency attached by ClinVar (database versions not stated): TOPMed below 0.00001.

Submission:

Labcorp Genetics (formerly Invitae), Labcorp
Classification: Uncertain significance. Last evaluated: 2025-03-17. Review status: criteria provided, single submitter. Criteria: Invitae Variant Classification Sherloc (09022015). Collection method: clinical testing. Allele origin: germline.
Comment: This sequence change replaces glycine, which is neutral and non-polar, with valine, which is neutral and non-polar, at codon 3065 of the TRRAP protein (p.Gly3065Val). This variant is not present in population databases (gnomAD no frequency). This variant has not been reported in the literature in individuals affected with TRRAP-related conditions. ClinVar contains an entry for this variant (Variation ID: 1938896). Invitae Evidence Modeling of protein sequence and biophysical properties (such as structural, functional, and spatial information, amino acid conservation, physicochemical variation, residue mobility, and thermodynamic stability) indicates that this missense variant is not expected to disrupt TRRAP protein function with a negative predictive value of 80%. In summary, the available evidence is currently insufficient to determine the role of this variant in disease. Therefore, it has been classified as a Variant of Uncertain Significance.

NM_001375524.1(TRRAP):c.9269G>T (p.Gly3090Val)

Gene: TRRAP (transformation/transcription domain associated protein; plus strand). Cytogenetic location: 7q22.1.
Variant type: single nucleotide variant.
Coding change: c.9269G>T on transcript NM_001375524.1 (MANE Select); coding-DNA position 9269, G replaced by T.
Protein change: p.Gly3090Val; replaces glycine 3090 with valine.
Molecular consequence: missense variant.
Genome position (GRCh38, 1-based): chr7:98,984,339, G>T. VCF-style: chr7-98984339-G-T. GRCh37 (hg19) VCF-style: chr7-98581962-G-T.
Other names: c.9281G>T, p.Gly3094Val (NM_001244580.2); c.9194G>T, p.Gly3065Val (NM_003496.4); short protein forms G3065V, G3090V, G3094V.
Identifiers: ClinVar variation 1938896 (VCV001938896.5), dbSNP rs1793060124, ClinGen allele CA368317601.